The following is an entry in ClinVar:

ClinVar aggregate classification (germline): Pathogenic. Review status: criteria provided, multiple submitters, no conflicts (2 of 4 stars). 8 submissions from 8 submitters: Pathogenic (6). 2 of the submissions do not count toward it. Last evaluated 2024-09-19.

Conditions:
COLQ-related disorder. Also called: COLQ-related condition.
Congenital myasthenic syndrome (CMS). Also called: Congenital Myasthenic Syndromes. Identifiers: Orphanet 590, MedGen C0751882, MeSH D020294, MONDO:0018940.
Congenital myasthenic syndrome 5. Identifiers: Orphanet 590, MedGen C1864233, MONDO:0011281, OMIM 603034.

Allele frequency attached by ClinVar (database versions not stated): gnomAD 0.00005; TOPMed 0.00008; ExAC 0.00002.
gnomAD v4.1: 32 of 1,608,320 alleles (0.002%); highest among the groups gnomAD compares: Admixed American, 0.02%; no homozygotes.

Submissions (8):

Labcorp Genetics (formerly Invitae), Labcorp
Classification: Pathogenic for Congenital myasthenic syndrome 5. Last evaluated: 2024-09-19. Review status: criteria provided, single submitter. Criteria: Invitae Variant Classification Sherloc (09022015). Collection method: clinical testing. Allele origin: germline.
Comment: This sequence change replaces tyrosine, which is neutral and polar, with serine, which is neutral and polar, at codon 430 of the COLQ protein (p.Tyr430Ser). This variant is present in population databases (rs121908923, gnomAD 0.02%). This missense change has been observed in individuals with congenital myasthenic syndrome (PMID: 9758617, 29054425). It has also been observed to segregate with disease in related individuals. This variant is also known as Y431S. ClinVar contains an entry for this variant (Variation ID: 6654). Invitae Evidence Modeling of protein sequence and biophysical properties (such as structural, functional, and spatial information, amino acid conservation, physicochemical variation, residue mobility, and thermodynamic stability) indicates that this missense variant is not expected to disrupt COLQ protein function with a negative predictive value of 80%. Experimental studies have shown that this missense change affects COLQ function (PMID: 15159418). For these reasons, this variant has been classified as Pathogenic.

Fulgent Genetics
Classification: Pathogenic for Congenital myasthenic syndrome 5. Last evaluated: 2024-03-19. Review status: criteria provided, single submitter. Criteria: ACMG Guidelines, 2015. Collection method: clinical testing. Allele origin: germline.

Women's Health and Genetics/Laboratory Corporation of America, LabCorp
Classification: Pathogenic for Congenital myasthenic syndrome. Last evaluated: 2024-03-18. Review status: criteria provided, single submitter. Criteria: LabCorp Variant Classification Summary - May 2015. Collection method: clinical testing. Allele origin: germline.
Comment: Variant summary: COLQ c.1289A>C (p.Tyr430Ser) results in a non-conservative amino acid change in the encoded protein sequence. Five of five in-silico tools predict a damaging effect of the variant on protein function. The variant allele was found at a frequency of 4.1e-05 in 245298 control chromosomes. This frequency is not significantly higher than estimated for a pathogenic variant in COLQ causing Congenital Myasthenic Syndrome (4.1e-05 vs 0.0014), allowing no conclusion about variant significance. c.1289A>C has been reported in the literature in multiple homozygous individuals affected with Congenital Myasthenic Syndrome (e.g. Abicht_2012). These data indicate that the variant is very likely to be associated with disease. To our knowledge, no experimental evidence demonstrating an impact on protein function has been reported. The following publication has been ascertained in the context of this evaluation (PMID: 22678886). ClinVar contains an entry for this variant (Variation ID: 6654). Based on the evidence outlined above, the variant was classified as pathogenic.

Baylor Genetics
Classification: Pathogenic for Congenital myasthenic syndrome 5. Last evaluated: 2024-03-10. Review status: criteria provided, single submitter. Criteria: ACMG Guidelines, 2015. Collection method: clinical testing. Allele origin: unknown.

3billion
Classification: Pathogenic for Congenital myasthenic syndrome 5. Last evaluated: 2023-11-10. Review status: criteria provided, single submitter. Criteria: ACMG Guidelines, 2015. Collection method: clinical testing. Allele origin: germline. Affected: yes.
Comment: The variant is observed at an extremely low frequency in the gnomAD v2.1.1 dataset (total allele frequency: 0.004%). Predicted Consequence/Location: Missense variant Functional studies provide moderate evidence of the variant having a damaging effect on the gene or gene product (PMID: 15159418). In silico tool predictions suggest damaging effect of the variant on gene or gene product [REVEL: 0.92 (>=0.6, sensitivity 0.68 and specificity 0.92)]. Same nucleotide change resulting in same amino acid change has been previously reported as pathogenic/likely pathogenic with strong evidence (ClinVar ID: VCV000006654 /PMID: 9758617).The variant has been reported to be in trans with a pathogenic variant as either compound heterozygous or homozygous in at least one similarly affected unrelated individual (PMID: 29054425). Therefore, this variant is classified as Pathogenic according to the recommendation of ACMG/AMP guideline.

Revvity Omics, Revvity
Classification: Pathogenic for Congenital myasthenic syndrome 5. Last evaluated: 2019-04-30. Review status: criteria provided, single submitter. Criteria: ACMG Guidelines, 2015. Collection method: clinical testing. Allele origin: germline.

PreventionGenetics, part of Exact Sciences
Classification: Pathogenic for COLQ-related condition. Last evaluated: 2024-09-26. Review status: no assertion criteria provided. Collection method: clinical testing. Allele origin: germline. Not counted in ClinVar's aggregate classification.
Comment: The COLQ c.1289A>C variant is predicted to result in the amino acid substitution p.Tyr430Ser. This variant has been reported in the homozygous state in several siblings in a large family to be causative for congenital myasthenic syndrome (Donger et al. 1998. PubMed ID: 9758617). This variant has also been reported in the compound heterozygous state in several additional individuals with congenital myasthenic syndrome (Servais et al. 2012. PubMed ID: 23108489; Natera-de Benito et al. 2017. PubMed ID: 29054425). This variant is reported in 0.017% of alleles in individuals of Latino descent in gnomAD. This variant is interpreted as pathogenic.

OMIM
Classification: Pathogenic for MYASTHENIC SYNDROME, CONGENITAL, 5. Last evaluated: 1998-10-01. Review status: no assertion criteria provided. Collection method: literature only. Allele origin: germline. Not counted in ClinVar's aggregate classification.

Literature cited by the submitters: PubMed 9758617 (cited by 3 submitters); PubMed 29054425 (cited by Labcorp Genetics (formerly Invitae), Labcorp and 3billion); PubMed 15159418 (cited by Labcorp Genetics (formerly Invitae), Labcorp and 3billion); PubMed 22678886 (cited by Women's Health and Genetics/Laboratory Corporation of America, LabCorp).

NM_005677.4(COLQ):c.1289A>C (p.Tyr430Ser)

Gene: COLQ (collagen like tail subunit of asymmetric acetylcholinesterase; minus strand). Cytogenetic location: 3p25.1.
Variant type: single nucleotide variant.
Coding change: c.1289A>C on transcript NM_005677.4 (MANE Select); coding-DNA position 1289, A replaced by C.
Protein change: p.Tyr430Ser; replaces tyrosine 430 with serine.
Molecular consequence: missense variant.
Genome position (GRCh38, 1-based): chr3:15,453,838, T>G on the plus strand (A>C on the coding strand, the complement: COLQ is on the minus strand). VCF-style: chr3-15453838-T-G. GRCh37 (hg19) VCF-style: chr3-15495345-T-G.
Other names: Y431S; c.1289A>C (NM_005677.3); c.1259A>C, p.Tyr420Ser (NM_080538.2); c.1187A>C, p.Tyr396Ser (NM_080539.4); short protein forms Y430S, Y396S, Y420S.
Identifiers: ClinVar variation 6654 (VCV000006654.22), dbSNP rs121908923, ClinGen allele CA118395.
Genomic context (GRCh38, chr3:15,453,838, plus strand): 5'-AGGAGGGAGGGAGAAAGAAGGGGGAGAGGGAGGGAGGGGAGTCATCCCTACCCAGGGAGA[T>G]AGGTCTCGCATGTCAGGTAGCCAAAGTCAGAGCCGTCACAGTCCTCCACACCCTCATGCC-3'
Protein context (NP_005668.2, residues 420-440): SDFGYLTCET[Tyr430Ser]LPGSYGDLQC